The following is an entry in ClinVar:

ClinVar aggregate classification (germline): Likely benign. Review status: criteria provided, multiple submitters, no conflicts (2 of 4 stars). 2 submissions from 2 submitters: Likely benign (2). Last evaluated 2023-08-04.

Conditions:
Fanconi anemia (FA). Also called: Fanconi's anemia. Identifiers: Orphanet 84, MedGen C0015625, MeSH D005199, MONDO:0019391.

Submissions (2):

Labcorp Genetics (formerly Invitae), Labcorp
Classification: Likely benign for Fanconi anemia. Last evaluated: 2023-08-04. Review status: criteria provided, single submitter. Criteria: Invitae Variant Classification Sherloc (09022015). Collection method: clinical testing. Allele origin: germline.

CeGaT Center for Human Genetics Tuebingen
Classification: Likely benign. Last evaluated: 2022-11-01. Review status: criteria provided, single submitter. Criteria: CeGaT Center For Human Genetics Tuebingen Variant Classification Criteria Version 2. Collection method: clinical testing. Allele origin: germline. Affected: yes. Observed: 1 variant allele.
Comment: FANCI: PM2:Supporting, BP4, BP7

NM_001113378.2(FANCI):c.1954C>T (p.Leu652=)

Gene: FANCI (FA complementation group I; plus strand). Cytogenetic location: 15q26.1.
Variant type: single nucleotide variant.
Coding change: c.1954C>T on transcript NM_001113378.2 (MANE Select); coding-DNA position 1954, C replaced by T.
Protein change: p.Leu652=; no amino-acid change (leucine 652 retained).
Molecular consequence: synonymous variant.
Genome position (GRCh38, 1-based): chr15:89,291,676, C>T. VCF-style: chr15-89291676-C-T. GRCh37 (hg19) VCF-style: chr15-89834907-C-T.
Other names: c.1675C>T, p.Leu559= (NM_001376910.1); c.1954C>T, p.Leu652= (NM_001376911.1, NM_018193.3).
Identifiers: ClinVar variation 1673615 (VCV001673615.32), dbSNP rs1433980751, ClinGen allele CA492080858.